The following is an entry in ClinVar:

NM_000384.3(APOB):c.4819G>C (p.Glu1607Gln)

Gene: APOB (apolipoprotein B; minus strand). Cytogenetic location: 2p24.1.
Variant type: single nucleotide variant.
Coding change: c.4819G>C on transcript NM_000384.3 (MANE Select); coding-DNA position 4819, G replaced by C.
Protein change: p.Glu1607Gln; replaces glutamic acid 1607 with glutamine.
Molecular consequence: missense variant.
Genome position (GRCh38, 1-based): chr2:21,012,049, C>G on the plus strand (G>C on the coding strand, the complement: APOB is on the minus strand). VCF-style: chr2-21012049-C-G. GRCh37 (hg19) VCF-style: chr2-21234921-C-G.
Other names: short protein forms E1607Q.
Identifiers: ClinVar variation 4850685 (VCV004850685.1).
Genomic context (GRCh38, chr2:21,012,049, plus strand): 5'-TTAACTCAAGACCATGGGAATTTAGTGATCCAGAAAGCAGGCTGAAGAACCTCAATGACT[C>G]GTAATCAGCCTGATATTCAGAACGCAGCAGTGCATTTTGCTTAGAGAAGGTCATATCCAT-3'
Protein context (NP_000375.3, residues 1597-1617): LLRSEYQADY[Glu1607Gln]SLRFFSLLSG

ClinVar aggregate classification (germline): Uncertain significance (1 of 4 stars; one submission).

Conditions:
Familial hypercholesterolemia. Also called: Familial hypercholesterolemias; Familial hypercholesterolaemia. Identifiers: MedGen C0020445, MONDO:0005439.

gnomAD v4.1: 9 of 1,614,146 alleles (0.00056%); highest among the groups gnomAD compares: Non-Finnish European, 0.00076%; no homozygotes.

Submission:

Cambridge Genomics Laboratory, East Genomic Laboratory Hub, NHS Genomic Medicine Service
Classification: Uncertain significance for Familial hypercholesterolaemia. Last evaluated: 2026-04-14. Review status: criteria provided, single submitter. Criteria: ACGS Best Practice Guidelines for Variant Classification in Rare Disease 2020. Collection method: clinical testing. Allele origin: germline. Affected: yes.
Comment: PM2_Supporting,PP4